The following is an entry in ClinVar:

NM_000135.4(FANCA):c.105T>G (p.Tyr35Ter)

Gene: FANCA (FA complementation group A; minus strand). Cytogenetic location: 16q24.3.
Variant type: single nucleotide variant.
Coding change: c.105T>G on transcript NM_000135.4 (MANE Select); coding-DNA position 105, T replaced by G.
Protein change: p.Tyr35Ter; replaces tyrosine 35 with a stop codon.
Molecular consequence: nonsense.
Genome position (GRCh38, 1-based): chr16:89,815,961, A>C on the plus strand (T>G on the coding strand, the complement: FANCA is on the minus strand). VCF-style: chr16-89815961-A-C. GRCh37 (hg19) VCF-style: chr16-89882369-A-C.
Other names: c.105T>G, p.Tyr35Ter (NM_001018112.3, NM_001286167.3, NM_001351830.2); short protein forms Y35*.
Identifiers: ClinVar variation 3613970 (VCV003613970.3).

ClinVar aggregate classification (germline): Pathogenic/Likely pathogenic. Review status: criteria provided, multiple submitters, no conflicts (2 of 4 stars). 2 submissions from 2 submitters: Pathogenic (1); Likely pathogenic (1). Last evaluated 2025-04-22.

Conditions:
Fanconi anemia (FA). Also called: Fanconi's anemia. Identifiers: Orphanet 84, MedGen C0015625, MeSH D005199, MONDO:0019391.
Fanconi anemia complementation group A (FANCA). Also called: Fanconi anemia, group A; FANCA-Related Fanconi Anemia. Identifiers: Orphanet 84, MedGen C3469521, MONDO:0009215, OMIM 227650.

Submissions (2):

Revvity Omics, Revvity
Classification: Likely pathogenic for Fanconi anemia complementation group A. Last evaluated: 2025-04-22. Review status: criteria provided, single submitter. Criteria: ACMG Guidelines, 2015. Collection method: clinical testing. Allele origin: germline.

Labcorp Genetics (formerly Invitae), Labcorp
Classification: Pathogenic for Fanconi anemia. Last evaluated: 2024-11-11. Review status: criteria provided, single submitter. Criteria: Invitae Variant Classification Sherloc (09022015). Collection method: clinical testing. Allele origin: germline.
Comment: This sequence change creates a premature translational stop signal (p.Tyr35*) in the FANCA gene. It is expected to result in an absent or disrupted protein product. Loss-of-function variants in FANCA are known to be pathogenic (PMID: 19367192). This variant is not present in population databases (gnomAD no frequency). This variant has not been reported in the literature in individuals affected with FANCA-related conditions. For these reasons, this variant has been classified as Pathogenic.

Literature cited by the submitters: PubMed 19367192 (cited by Labcorp Genetics (formerly Invitae), Labcorp).